The following is an entry in ClinVar:

ClinVar aggregate classification (germline): Uncertain significance (1 of 4 stars; one submission).

Allele frequency attached by ClinVar (database versions not stated): gnomAD exomes below 0.00001; gnomAD 0.00001; TOPMed 0.00001.
gnomAD v4.1: 5 of 1,611,932 alleles (0.00031%); highest among the groups gnomAD compares: Non-Finnish European, 0.00042%; no homozygotes.

Submission:

Labcorp Genetics (formerly Invitae), Labcorp
Classification: Uncertain significance. Last evaluated: 2024-09-06. Review status: criteria provided, single submitter. Criteria: Invitae Variant Classification Sherloc (09022015). Collection method: clinical testing. Allele origin: germline.
Comment: This sequence change replaces glutamine, which is neutral and polar, with histidine, which is basic and polar, at codon 1063 of the ERBB4 protein (p.Gln1063His). This variant is not present in population databases (gnomAD no frequency). This variant has not been reported in the literature in individuals affected with ERBB4-related conditions. An algorithm developed to predict the effect of missense changes on protein structure and function (PolyPhen-2) suggests that this variant is likely to be disruptive. In summary, the available evidence is currently insufficient to determine the role of this variant in disease. Therefore, it has been classified as a Variant of Uncertain Significance.

NM_005235.3(ERBB4):c.3189G>C (p.Gln1063His)

Gene: ERBB4 (erb-b2 receptor tyrosine kinase 4; minus strand). Cytogenetic location: 2q34.
Variant type: single nucleotide variant.
Coding change: c.3189G>C on transcript NM_005235.3 (MANE Select); coding-DNA position 3189, G replaced by C.
Protein change: p.Gln1063His; replaces glutamine 1063 with histidine.
Molecular consequence: missense variant.
Genome position (GRCh38, 1-based): chr2:211,387,145, C>G on the plus strand (G>C on the coding strand, the complement: ERBB4 is on the minus strand). VCF-style: chr2-211387145-C-G. GRCh37 (hg19) VCF-style: chr2-212251870-C-G.
Other names: c.3141G>C, p.Gln1047His (NM_001042599.2); short protein forms Q1047H, Q1063H.
Identifiers: ClinVar variation 2852814 (VCV002852814.3), dbSNP rs1408253754, ClinGen allele CA350781011.